The following is an entry in ClinVar:

ClinVar aggregate classification (germline): Uncertain significance. Review status: criteria provided, multiple submitters, no conflicts (2 of 4 stars). 3 submissions from 3 submitters: Uncertain significance (3). Last evaluated 2024-03-06.

Conditions:
Catecholaminergic polymorphic ventricular tachycardia (CVPT). Also called: Catecholamine-induced polymorphic ventricular tachycardia. Identifiers: Orphanet 3286, MedGen C5574922, MONDO:0017990.
Cardiomyopathy (CMYO). Also called: Cardiomyopathies. Identifiers: Orphanet 167848, MedGen C0878544, MONDO:0004994, HP:0001638. Inheritance: Various modes of inheritance.
Catecholaminergic polymorphic ventricular tachycardia 1. Also called: VENTRICULAR TACHYCARDIA, CATECHOLAMINERGIC POLYMORPHIC, 1, WITH OR WITHOUT ATRIAL DYSFUNCTION AND/OR DILATED CARDIOMYOPATHY; RYR2-Related Catecholaminergic Polymorphic Ventricular Tachycardia; VENTRICULAR TACHYCARDIA, STRESS-INDUCED POLYMORPHIC 1. Identifiers: Orphanet 3286, MedGen C1631597, MONDO:0011484, OMIM 604772.

Allele frequency attached by ClinVar (database versions not stated): TOPMed below 0.00001.

Submissions (3):

Color Diagnostics, LLC DBA Color Health
Classification: Uncertain significance for Cardiomyopathy. Last evaluated: 2024-03-06. Review status: criteria provided, single submitter. Criteria: ACMG Guidelines, 2015. Collection method: clinical testing. Allele origin: germline.
Comment: This missense variant replaces serine with isoleucine at codon 2219 of the RYR2 protein. Computational prediction suggests that this variant may have deleterious impact on protein structure and function (internally defined REVEL score threshold >= 0.7, PMID: 27666373). To our knowledge, functional studies have not been reported for this variant. This variant has not been reported in individuals affected with RYR2-related disorders in the literature. This variant has not been identified in the general population by the Genome Aggregation Database (gnomAD). The available evidence is insufficient to determine the role of this variant in disease conclusively. Therefore, this variant is classified as a Variant of Uncertain Significance.

All of Us Research Program, National Institutes of Health
Classification: Uncertain significance for Catecholaminergic polymorphic ventricular tachycardia. Last evaluated: 2023-04-03. Review status: criteria provided, single submitter. Criteria: ACMG Guidelines, 2015. Collection method: clinical testing. Allele origin: germline. Inheritance: Autosomal dominant inheritance. Observed: 2 variant alleles, 2 heterozygotes.
Comment: Variant of Uncertain Significance due to insufficient evidence: This missense variant is located in the cytoplasmic domain of the RYR2 protein. Computational prediction tools and conservation analyses suggest that this variant may have deleterious impact on the protein function. Computational splicing tools suggest that this variant may not impact RNA splicing. To our knowledge, functional assays have not been performed for this variant nor has this variant been reported in individuals affected with cardiovascular disorders in the literature. This variant is rare in the general population and has been identified in 0/277264 chromosomes by the Genome Aggregation Database (gnomAD). Available evidence is insufficient to determine the pathogenicity of this variant conclusively.

This study involves interpretation of variants in research participants for the purpose of population health screening. Participant phenotype was not available at the time of variant classification. Additional details can be found in publication PMID: 35346344, PMCID: PMC8962531

Human Genome Sequencing Center Clinical Lab, Baylor College of Medicine
Classification: Uncertain significance for Catecholaminergic polymorphic ventricular tachycardia 1. Review status: criteria provided, single submitter. Criteria: ACMG Guidelines, 2015. Collection method: clinical testing. Allele origin: germline.

NM_001035.3(RYR2):c.6656G>T (p.Ser2219Ile)

Gene: RYR2 (ryanodine receptor 2; plus strand). Cytogenetic location: 1q43.
Variant type: single nucleotide variant.
Coding change: c.6656G>T on transcript NM_001035.3 (MANE Select); coding-DNA position 6656, G replaced by T.
Protein change: p.Ser2219Ile; replaces serine 2219 with isoleucine.
Molecular consequence: missense variant.
Genome position (GRCh38, 1-based): chr1:237,633,678, G>T. VCF-style: chr1-237633678-G-T. GRCh37 (hg19) VCF-style: chr1-237796978-G-T.
Other names: short protein forms S2219I.
Identifiers: ClinVar variation 920088 (VCV000920088.7), dbSNP rs774615963, ClinGen allele CA345394291.